The following is an entry in ClinVar:

ClinVar aggregate classification (germline): Uncertain significance. Review status: criteria provided, multiple submitters, no conflicts (2 of 4 stars). 2 submissions from 2 submitters: Uncertain significance (2). Last evaluated 2025-08-11.

Conditions:
Inborn genetic diseases. Identifiers: MedGen C0950123, MeSH D030342.
Amelocerebrohypohidrotic syndrome (KTZS). Also called: Kohlschutter's syndrome; EPILEPSY AND YELLOW TEETH; EPILEPSY, DEMENTIA, AND AMELOGENESIS IMPERFECTA; KOHLSCHUTTER SYNDROME. Identifiers: Orphanet 1946, MedGen C0406740, MONDO:0009185, OMIM 226750.

Allele frequency attached by ClinVar (database versions not stated): ExAC below 0.00001; gnomAD exomes below 0.00001; gnomAD 0.00008; TOPMed 0.00008; 1000 Genomes Project 30x 0.00016.
gnomAD v4.1: 16 of 1,290,156 alleles (0.0012%); highest among the groups gnomAD compares: African/African-American, 0.022%; no homozygotes.

Submissions (2):

Ambry Genetics
Classification: Uncertain significance for Inborn genetic diseases. Last evaluated: 2025-08-11. Review status: criteria provided, single submitter. Criteria: Ambry Variant Classification Scheme 2023. Collection method: clinical testing. Allele origin: germline.

Labcorp Genetics (formerly Invitae), Labcorp
Classification: Uncertain significance for Amelocerebrohypohidrotic syndrome. Last evaluated: 2022-08-09. Review status: criteria provided, single submitter. Criteria: Invitae Variant Classification Sherloc (09022015). Collection method: clinical testing. Allele origin: germline.
Comment: This sequence change replaces alanine, which is neutral and non-polar, with glutamic acid, which is acidic and polar, at codon 7 of the ROGDI protein (p.Ala7Glu). This variant is present in population databases (rs752140233, gnomAD 0.03%). This variant has not been reported in the literature in individuals affected with ROGDI-related conditions. ClinVar contains an entry for this variant (Variation ID: 855392). Algorithms developed to predict the effect of missense changes on protein structure and function are either unavailable or do not agree on the potential impact of this missense change (SIFT: "Tolerated"; PolyPhen-2: "Not Available"; Align-GVGD: "Class C0"). In summary, the available evidence is currently insufficient to determine the role of this variant in disease. Therefore, it has been classified as a Variant of Uncertain Significance.

NM_024589.3(ROGDI):c.20C>A (p.Ala7Glu)

Gene: ROGDI (rogdi atypical leucine zipper; minus strand). Cytogenetic location: 16p13.3.
Variant type: single nucleotide variant.
Coding change: c.20C>A on transcript NM_024589.3 (MANE Select); coding-DNA position 20, C replaced by A.
Protein change: p.Ala7Glu; replaces alanine 7 with glutamic acid.
Molecular consequence: missense variant. On other transcripts: non-coding transcript variant (1).
Genome position (GRCh38, 1-based): chr16:4,802,552, G>T on the plus strand (C>A on the coding strand, the complement: ROGDI is on the minus strand). VCF-style: chr16-4802552-G-T. GRCh37 (hg19) VCF-style: chr16-4852553-G-T.
Other names: c.20C>A (NM_024589.1); short protein forms A7E.
Identifiers: ClinVar variation 855392 (VCV000855392.9), dbSNP rs752140233, ClinGen allele CA7883048.
Genomic context (GRCh38, chr16:4,802,552, plus strand): 5'-CCCCGCCGGCCCGCCCGCTGGCCCGCGCGCCTTACCAGCACCGCCCGCTCCGCCGCCGTC[G>T]CTGCCATCACGGTGGCCATGGCCGCAGGCCGCCGCCGAGCGCCCTCCCCACCGGCCGCTG-3'
Protein context (NP_078865.1, residues 1-17): MATVMA[Ala7Glu]TAAERAVLEE